The following is an entry in ClinVar:

ClinVar aggregate classification (germline): Uncertain significance (1 of 4 stars; one submission).

Conditions:
Osteogenesis imperfecta type I (OI1). Also called: Classic Non-deforming Osteogenesis Imperfecta with Blue Sclerae; Lobstein's Disease; Osteogenesis imperfecta type 1; OI, TYPE I; OSTEOGENESIS IMPERFECTA TARDA; OSTEOGENESIS IMPERFECTA WITH BLUE SCLERAE. Identifiers: Orphanet 216796, Orphanet 666, MedGen C0023931, MONDO:0008146, OMIM 166200. Disease mechanism: loss of function.

Submission:

Labcorp Genetics (formerly Invitae), Labcorp
Classification: Uncertain significance for Osteogenesis imperfecta type I. Last evaluated: 2018-06-03. Review status: criteria provided, single submitter. Criteria: Invitae Variant Classification Sherloc (09022015). Collection method: clinical testing. Allele origin: germline.
Comment: In summary, the available evidence is currently insufficient to determine the role of this variant in disease. Therefore, it has been classified as a Variant of Uncertain Significance. Algorithms developed to predict the effect of missense changes on protein structure and function (SIFT, PolyPhen-2, Align-GVGD) all suggest that this variant is likely to be disruptive, but these predictions have not been confirmed by published functional studies and their clinical significance is uncertain. This variant has not been reported in the literature in individuals with COL1A1-related disease. This variant is not present in population databases (ExAC no frequency). This sequence change replaces proline with alanine at codon 285 of the COL1A1 protein (p.Pro285Ala). The proline residue is highly conserved and there is a small physicochemical difference between proline and alanine.

NM_000088.4(COL1A1):c.853C>G (p.Pro285Ala)

Genes: COL1A1 (collagen type I alpha 1 chain; minus strand), LOC126862586 (CDK7 strongly-dependent group 2 enhancer GRCh37_chr17:48273702-48274901; plus strand). Cytogenetic location: 17q21.33.
Variant type: single nucleotide variant.
Coding change: c.853C>G on transcript NM_000088.4 (MANE Select); coding-DNA position 853, C replaced by G.
Protein change: p.Pro285Ala; replaces proline 285 with alanine.
Molecular consequence: missense variant.
Genome position (GRCh38, 1-based): chr17:50,196,622, G>C on the plus strand (C>G on the coding strand, the complement: COL1A1 is on the minus strand). VCF-style: chr17-50196622-G-C. GRCh37 (hg19) VCF-style: chr17-48273983-G-C.
Other names: short protein forms P285A.
Identifiers: ClinVar variation 566008 (VCV000566008.9), dbSNP rs1567761937, ClinGen allele CA400222429.